The following is an entry in ClinVar:

NM_000138.5(FBN1):c.3760T>C (p.Cys1254Arg)

Gene: FBN1 (fibrillin 1; minus strand). Cytogenetic location: 15q21.1.
Variant type: single nucleotide variant.
Coding change: c.3760T>C on transcript NM_000138.5 (MANE Select); coding-DNA position 3760, T replaced by C.
Protein change: p.Cys1254Arg; replaces cysteine 1254 with arginine.
Molecular consequence: missense variant.
Genome position (GRCh38, 1-based): chr15:48,483,896, A>G on the plus strand (T>C on the coding strand, the complement: FBN1 is on the minus strand). VCF-style: chr15-48483896-A-G. GRCh37 (hg19) VCF-style: chr15-48776093-A-G.
Other names: c.3760T>C, p.Cys1254Arg (NM_001406716.1); short protein forms C1254R.
Identifiers: ClinVar variation 3759288 (VCV003759288.2).

ClinVar aggregate classification (germline): Pathogenic (1 of 4 stars; one submission).

Conditions:
Marfan syndrome (MFS). Also called: MARFAN SYNDROME, TYPE I; Marfan syndrome type 1; Marfan's syndrome; Marfan syndrome, classic; FBN1-Related Marfan Syndrome. Identifiers: Orphanet 284963, Orphanet 558, MedGen C0024796, MONDO:0007947, OMIM 154700.
Familial thoracic aortic aneurysm and aortic dissection (TAAD). Also called: Thoracic aortic aneurysms and dissections. Identifiers: Orphanet 91387, MedGen C4707243, MONDO:0019625.

Submission:

Labcorp Genetics (formerly Invitae), Labcorp
Classification: Pathogenic for Marfan syndrome; Familial thoracic aortic aneurysm and aortic dissection. Last evaluated: 2024-07-16. Review status: criteria provided, single submitter. Criteria: Invitae Variant Classification Sherloc (09022015). Collection method: clinical testing. Allele origin: germline.
Comment: This sequence change replaces cysteine, which is neutral and slightly polar, with arginine, which is basic and polar, at codon 1254 of the FBN1 protein (p.Cys1254Arg). This variant is not present in population databases (gnomAD no frequency). This missense change has been observed in individual(s) with Marfan syndrome (PMID: 24199744). Advanced modeling of protein sequence and biophysical properties (such as structural, functional, and spatial information, amino acid conservation, physicochemical variation, residue mobility, and thermodynamic stability) performed at Invitae indicates that this missense variant is expected to disrupt FBN1 protein function with a positive predictive value of 95%. This variant affects a cysteine residue in the EGF-like, TGFBP or hybrid motif domains of FBN1. Cysteine residues are believed to be involved in intramolecular disulfide bridges and have been shown to be important for FBN1 protein structure (PMID: 16905551, 19349279). In addition, missense substitutions affecting cysteine residues within these domains are significantly overrepresented among patients with Marfan syndrome (PMID: 16571647, 17701892). For these reasons, this variant has been classified as Pathogenic.

Literature cited by the submitters: PubMed 24199744; PubMed 16905551; PubMed 19349279; PubMed 16571647; PubMed 17701892.